The following is an entry in ClinVar:

ClinVar aggregate classification (germline): Uncertain significance (1 of 4 stars; one submission).

Submission:

GeneDx
Classification: Uncertain significance. Last evaluated: 2025-05-10. Review status: criteria provided, single submitter. Criteria: GeneDx Variant Classification Process June 2021. Collection method: clinical testing. Allele origin: germline. Affected: yes.
Comment: Not observed at significant frequency in large population cohorts (gnomAD); Missense variant in a gene in which most reported pathogenic variants are truncating/loss of function; Has not been previously published as pathogenic or benign to our knowledge

NM_001267550.2(TTN):c.69722C>T (p.Pro23241Leu)

Genes: TTN (titin; minus strand), TTN-AS1 (TTN antisense RNA 1; plus strand), LOC126806422 (BRD4-independent group 4 enhancer GRCh37_chr2:179440205-179441404; plus strand). Cytogenetic location: 2q31.2.
Variant type: single nucleotide variant.
Coding change: c.69722C>T on transcript NM_001267550.2 (MANE Select); coding-DNA position 69722, C replaced by T.
Protein change: p.Pro23241Leu; replaces proline 23241 with leucine.
Molecular consequence: missense variant.
Genome position (GRCh38, 1-based): chr2:178,576,410, G>A on the plus strand (C>T on the coding strand, the complement: TTN is on the minus strand). VCF-style: chr2-178576410-G-A. GRCh37 (hg19) VCF-style: chr2-179441137-G-A.
Other names: c.64799C>T, p.Pro21600Leu (NM_001256850.1); c.42527C>T, p.Pro14176Leu (NM_003319.4); c.62018C>T, p.Pro20673Leu (NM_133378.4); c.42902C>T, p.Pro14301Leu (NM_133432.3); c.43103C>T, p.Pro14368Leu (NM_133437.4); short protein forms P14176L, P14301L, P14368L, P20673L, P21600L, P23241L.
Identifiers: ClinVar variation 4529780 (VCV004529780.1).